The following is an entry in ClinVar:

ClinVar aggregate classification (germline): Uncertain significance. Review status: criteria provided, multiple submitters, no conflicts (2 of 4 stars). 2 submissions from 2 submitters: Uncertain significance (2). Last evaluated 2025-11-05.

Conditions:
Dilated cardiomyopathy 1JJ (CMD1JJ). Identifiers: Orphanet 154, MedGen C3808935, MONDO:0014095, OMIM 615235.
Cardiovascular phenotype. Identifiers: MedGen CN230736.

Allele frequency attached by ClinVar (database versions not stated): gnomAD exomes 0.00001; ExAC 0.00003.
gnomAD v4.1: 15 of 1,612,432 alleles (0.00093%); highest among the groups gnomAD compares: Admixed American, 0.0033%; no homozygotes.

Submissions (2):

Labcorp Genetics (formerly Invitae), Labcorp
Classification: Uncertain significance for Dilated cardiomyopathy 1JJ. Last evaluated: 2025-11-05. Review status: criteria provided, single submitter. Criteria: Invitae Variant Classification Sherloc (09022015). Collection method: clinical testing. Allele origin: germline.
Comment: This sequence change replaces glycine, which is neutral and non-polar, with valine, which is neutral and non-polar, at codon 1271 of the LAMA4 protein (p.Gly1271Val). This variant is present in population databases (rs145667904, gnomAD 0.003%). This variant has not been reported in the literature in individuals affected with LAMA4-related conditions. ClinVar contains an entry for this variant (Variation ID: 1735172). An algorithm developed to predict the effect of missense changes on protein structure and function (PolyPhen-2) suggests that this variant is likely to be disruptive. In summary, the available evidence is currently insufficient to determine the role of this variant in disease. Therefore, it has been classified as a Variant of Uncertain Significance.

Ambry Genetics
Classification: Uncertain significance for Cardiovascular phenotype. Last evaluated: 2025-08-02. Review status: criteria provided, single submitter. Criteria: Ambry Variant Classification Scheme 2023. Collection method: clinical testing. Allele origin: germline.

NM_001105206.3(LAMA4):c.3833G>T (p.Gly1278Val)

Gene: LAMA4 (laminin subunit alpha 4; minus strand). Cytogenetic location: 6q21.
Variant type: single nucleotide variant.
Coding change: c.3833G>T on transcript NM_001105206.3 (MANE Select); coding-DNA position 3833, G replaced by T.
Protein change: p.Gly1278Val; replaces glycine 1278 with valine.
Molecular consequence: missense variant.
Genome position (GRCh38, 1-based): chr6:112,132,754, C>A on the plus strand (G>T on the coding strand, the complement: LAMA4 is on the minus strand). VCF-style: chr6-112132754-C-A. GRCh37 (hg19) VCF-style: chr6-112453956-C-A.
Other names: c.3812G>T, p.Gly1271Val (NM_001105207.3, NM_002290.5); short protein forms G1278V, G1271V.
Identifiers: ClinVar variation 1735172 (VCV001735172.8), dbSNP rs145667904, ClinGen allele CA3965124.
Genomic context (GRCh38, chr6:112,132,754, plus strand): 5'-TTTTAATAGGCAAAACAATTATCACAAAGAAGTTTCCTCAGAGAAAAACAAACACTTACC[C>A]CTGAAGCATAATAGAATAGTAACCCATTTGGTTGTAATGTTCGGAAATTAAAACCTCCTT-3'
Protein context (NP_001098676.2, residues 1268-1288): PNGLLFYYAS[Gly1278Val]SDVFSISLDN